The following is an entry in ClinVar:

NM_002439.5(MSH3):c.640C>T (p.Gln214Ter)

Gene: MSH3 (mutS homolog 3; plus strand). Cytogenetic location: 5q14.1.
Variant type: single nucleotide variant.
Coding change: c.640C>T on transcript NM_002439.5 (MANE Select); coding-DNA position 640, C replaced by T.
Protein change: p.Gln214Ter; replaces glutamine 214 with a stop codon.
Molecular consequence: nonsense.
Genome position (GRCh38, 1-based): chr5:80,670,157, C>T. VCF-style: chr5-80670157-C-T. GRCh37 (hg19) VCF-style: chr5-79965976-C-T.
Other names: c.640C>T (NM_002439.4); short protein forms Q214*.
Identifiers: ClinVar variation 826387 (VCV000826387.13), dbSNP rs952650934, ClinGen allele CA121293005.

ClinVar aggregate classification (germline): Pathogenic/Likely pathogenic. Review status: criteria provided, multiple submitters, no conflicts (2 of 4 stars). 4 submissions from 4 submitters: Pathogenic (3); Likely pathogenic (1). Last evaluated 2025-12-16.

Conditions:
Hereditary cancer-predisposing syndrome. Also called: Neoplastic Syndromes, Hereditary; Tumor predisposition; Hereditary neoplastic syndrome; Hereditary Cancer Syndrome. Identifiers: Orphanet 140162, MedGen C0027672, MeSH D009386, MONDO:0015356.
Familial adenomatous polyposis 4 (FAP4). Also called: MSH3-related attenuated familial adenomatous polyposis. Identifiers: Orphanet 480536, MedGen C4310719, MONDO:0044300, OMIM 617100.

Allele frequency attached by ClinVar (database versions not stated): gnomAD exomes below 0.00001; TOPMed 0.00001.
gnomAD v4.1: 2 of 1,614,096 alleles (0.00012%); highest among the groups gnomAD compares: Non-Finnish European, 0.00017%; no homozygotes.

Submissions (4):

Labcorp Genetics (formerly Invitae), Labcorp
Classification: Pathogenic. Last evaluated: 2025-12-16. Review status: criteria provided, single submitter. Criteria: Invitae Variant Classification Sherloc (09022015). Collection method: clinical testing. Allele origin: germline.
Comment: This sequence change creates a premature translational stop signal (p.Gln214*) in the MSH3 gene. It is expected to result in an absent or disrupted protein product. Loss-of-function variants in MSH3 are known to be pathogenic (PMID: 27476653, 37402566). This variant is not present in population databases (gnomAD no frequency). This variant has not been reported in the literature in individuals affected with MSH3-related conditions. ClinVar contains an entry for this variant (Variation ID: 826387). For these reasons, this variant has been classified as Pathogenic.

GeneDx
Classification: Likely pathogenic. Last evaluated: 2024-06-05. Review status: criteria provided, single submitter. Criteria: GeneDx Variant Classification Process June 2021. Collection method: clinical testing. Allele origin: germline. Affected: yes.
Comment: Nonsense variant predicted to result in protein truncation or nonsense mediated decay in a gene for which loss of function is a known mechanism of disease; Not observed at significant frequency in large population cohorts (gnomAD); Has not been previously published as pathogenic or benign to our knowledge

Myriad Genetics, Inc.
Classification: Pathogenic for Familial adenomatous polyposis 4. Last evaluated: 2023-08-29. Review status: criteria provided, single submitter. Criteria: Myriad Autosomal Dominant, Autosomal Recessive and X-Linked Classification Criteria (2023). Collection method: clinical testing. Allele origin: unknown.
Comment: This variant is considered pathogenic. This variant creates a termination codon and is predicted to result in premature protein truncation.

Ambry Genetics
Classification: Pathogenic for Hereditary cancer-predisposing syndrome. Last evaluated: 2023-01-11. Review status: criteria provided, single submitter. Criteria: Ambry Variant Classification Scheme 2023. Collection method: clinical testing. Allele origin: germline.
Comment: The p.Q214* pathogenic mutation (also known as c.640C>T), located in coding exon 4 of the MSH3 gene, results from a C to T substitution at nucleotide position 640. This changes the amino acid from a glutamine to a stop codon within coding exon 4. This variant is considered to be rare based on population cohorts in the Genome Aggregation Database (gnomAD). This alteration is expected to result in loss of function by premature protein truncation or nonsense-mediated mRNA decay. As such, this alteration is interpreted as a disease-causing mutation.

Literature cited by the submitters: PubMed 27476653 (cited by Labcorp Genetics (formerly Invitae), Labcorp); PubMed 37402566 (cited by Labcorp Genetics (formerly Invitae), Labcorp).